The following is an entry in ClinVar:

ClinVar aggregate classification (germline): Uncertain significance. Review status: criteria provided, multiple submitters, no conflicts (2 of 4 stars). 2 submissions from 2 submitters: Uncertain significance (2). Last evaluated 2025-10-30.

Submissions (2):

Mayo Clinic Laboratories, Mayo Clinic
Classification: Uncertain significance. Last evaluated: 2025-10-30. Review status: criteria provided, single submitter. Criteria: ACMG Guidelines, 2015. Collection method: clinical testing. Allele origin: germline. Observed: 1 variant allele.
Comment: PM2_supporting, PM4

GeneDx
Classification: Uncertain significance. Last evaluated: 2024-06-04. Review status: criteria provided, single submitter. Criteria: GeneDx Variant Classification Process June 2021. Collection method: clinical testing. Allele origin: germline. Affected: yes.
Comment: Not observed at significant frequency in large population cohorts (gnomAD); In-frame deletion of 1 amino acid in a non-repeat region; In silico analysis supports a deleterious effect on protein structure/function; Has not been previously published as pathogenic or benign to our knowledge

NM_004115.4(FGF14):c.338TTG[1] (p.Val114del)

Gene: FGF14 (fibroblast growth factor 14; minus strand). Cytogenetic location: 13q33.1.
Variant type: Microsatellite.
Coding change: c.338TTG[1] on transcript NM_004115.4 (MANE Select); one copy of the 3-base unit TTG starting at c.338; the reference has two copies in a row; one copy, 3 bases deleted.
Protein change: p.Val114del; deletes valine 114.
Genome position (GRCh38, 1-based): chr13:101,868,790-101,868,792, CAA deleted on the plus strand (TTG on the coding strand, the reverse complement: FGF14 is on the minus strand); deleting any 3 consecutive bases within chr13:101,868,790-101,868,797 gives the same sequence; the position shown is the placement nearest the transcript's 3' end. VCF-style (leftmost placement, unchanged base first): chr13-101868789-GCAA-G. GRCh37 (hg19) VCF-style: chr13-102521139-GCAA-G.
Other names: p.Val114del; c.86TTG[1], p.Val30del (NM_001321931.1, NM_001321934.1, NM_001321935.1 and 4 more transcripts); c.149TTG[1], p.Val51del (NM_001321932.1, NM_001321936.1, NM_001321944.1); c.158TTG[1], p.Val54del (NM_001321933.1, NM_001321938.2, NM_001321940.1); c.353TTG[1], p.Val119del (NM_001321937.2, NM_175929.3); c.242TTG[1], p.Val82del (NM_001321939.2); c.152TTG[1], p.Val52del (NM_001321941.2); c.236TTG[1], p.Val80del (NM_001321945.2, NM_001321948.2, NM_001379342.1); and 1 more; short protein forms V114del, V119del, V30del, V51del, V52del, V54del, V67del, V80del.
Identifiers: ClinVar variation 3384588 (VCV003384588.2).
Genomic context (GRCh38, chr13:101,868,789, plus strand): 5'-GGGTAGAGGTAACCTTCTCCATTCATGGCTATATACAACCCTGTTTTCACTCCCTGGATG[GCAA>G]CAACACGTAGTCCCACTGGTATGAGGTTGAAGAGTGCTGTGAAGATAAACATTGTCTATC-3'